The following is an entry in ClinVar:

NM_022124.6(CDH23):c.2394C>T (p.Thr798=)

Gene: CDH23 (cadherin related 23; plus strand). Cytogenetic location: 10q22.1.
Variant type: single nucleotide variant.
Coding change: c.2394C>T on transcript NM_022124.6 (MANE Select); coding-DNA position 2394, C replaced by T.
Protein change: p.Thr798=; no amino-acid change (threonine 798 retained).
Molecular consequence: synonymous variant.
Genome position (GRCh38, 1-based): chr10:71,695,522, C>T. VCF-style: chr10-71695522-C-T. GRCh37 (hg19) VCF-style: chr10-73455279-C-T.
Other names: c.2394C>T, p.Thr798= (NM_001171930.2, NM_001171931.2).
Identifiers: ClinVar variation 96025 (VCV000096025.21), dbSNP rs373269394, ClinGen allele CA223628.

ClinVar aggregate classification (germline): Conflicting classifications of pathogenicity. Review status: criteria provided, conflicting classifications (1 of 4 stars). 6 submissions from 6 submitters: Uncertain significance (1); Likely benign (4). 1 of the submissions does not count toward it. Last evaluated 2026-02-02.

Conditions:
CDH23-related disorder. Also called: CDH23-related condition; CDH23-related disorders.
Usher syndrome type 1 (USH1). Also called: RETINITIS PIGMENTOSA AND CONGENITAL DEAFNESS. Identifiers: Orphanet 231169, Orphanet 886, MedGen C1568247, MONDO:0010168, OMIM 276900.

Allele frequency attached by ClinVar (database versions not stated): ExAC 0.00003; gnomAD exomes 0.00006 and 0.00020; ESP Exome Variant Server 0.00008; TOPMed 0.00008; gnomAD 0.00009.
gnomAD v4.1: 301 of 1,604,780 alleles (0.019%); highest among the groups gnomAD compares: Non-Finnish European, 0.024%; no homozygotes.

Submissions (6):

PreventionGenetics, part of Exact Sciences
Classification: Likely benign for CDH23-related condition. Last evaluated: 2026-02-02. Review status: criteria provided, single submitter. Criteria: ACMG Guidelines, 2015. Collection method: clinical testing. Allele origin: germline.
Comment: This variant is classified as likely benign based on ACMG/AMP sequence variant interpretation guidelines (Richards et al. 2015 PMID: 25741868, with internal and published modifications).

Labcorp Genetics (formerly Invitae), Labcorp
Classification: Likely benign. Last evaluated: 2026-01-11. Review status: criteria provided, single submitter. Criteria: Invitae Variant Classification Sherloc (09022015). Collection method: clinical testing. Allele origin: germline.

Blueprint Genetics
Classification: Likely benign. Last evaluated: 2024-05-16. Review status: criteria provided, single submitter. Criteria: ACMG Guidelines, 2015. Collection method: clinical testing. Allele origin: germline.

GeneDx
Classification: Likely benign. Last evaluated: 2019-12-18. Review status: criteria provided, single submitter. Criteria: GeneDx Variant Classification Process June 2021. Collection method: clinical testing. Allele origin: germline. Affected: yes.

Eurofins Ntd Llc (ga)
Classification: Uncertain significance. Last evaluated: 2013-08-16. Review status: criteria provided, single submitter. Criteria: EGL Classification Definitions 2015. Collection method: clinical testing. Allele origin: germline. Observed: 1 variant allele, 1 heterozygote.

Natera, Inc.
Classification: Uncertain significance for Usher syndrome type 1. Last evaluated: 2020-01-24. Review status: no assertion criteria provided. Collection method: clinical testing. Allele origin: germline. Not counted in ClinVar's aggregate classification.